The following is an entry in ClinVar:

NM_014889.4(PITRM1):c.2627C>T (p.Thr876Met)

Genes: PITRM1 (pitrilysin metallopeptidase 1; minus strand), PITRM1-AS1 (PITRM1 antisense RNA 1; plus strand). Cytogenetic location: 10p15.2.
Variant type: single nucleotide variant.
Coding change: c.2627C>T on transcript NM_014889.4 (MANE Select); coding-DNA position 2627, C replaced by T.
Protein change: p.Thr876Met; replaces threonine 876 with methionine.
Molecular consequence: missense variant. On other transcripts: non-coding transcript variant (4).
Genome position (GRCh38, 1-based): chr10:3,143,407, G>A on the plus strand (C>T on the coding strand, the complement: PITRM1 is on the minus strand). VCF-style: chr10-3143407-G-A. GRCh37 (hg19) VCF-style: chr10-3185599-G-A.
Other names: c.2333C>T, p.Thr778Met (NM_001242309.1); c.2630C>T, p.Thr877Met (NM_001242307.2); c.2429C>T, p.Thr810Met (NM_001347725.2); c.1814C>T, p.Thr605Met (NM_001347726.2); c.2012C>T, p.Thr671Met (NM_001347727.2); c.1322C>T, p.Thr441Met (NM_001347728.2); c.2603C>T, p.Thr868Met (NM_001347729.1); c.2405C>T, p.Thr802Met (NM_001347730.1); and 1 more; short protein forms T605M, T778M, T868M, T876M, T671M, T877M, T441M, T802M.
Identifiers: ClinVar variation 783567 (VCV000783567.13), dbSNP rs35046873, ClinGen allele CA5387317.
Genomic context (GRCh38, chr10:3,143,407, plus strand): 5'-GTAAGGCTCAGGCCTGAGAGGTCCCGACCTACACCCTCCTACCTGGCATGATCTGGGTCC[G>A]TGTAGGGGACAGTTCGGATGCATTCACCCACGTAATTCACCGGGAAGGGCATCAGGAAGT-3'
Protein context (NP_055704.2, residues 866-886): VGECIRTVPY[Thr876Met]DPDHASLKIL

ClinVar aggregate classification (germline): Benign. Review status: criteria provided, multiple submitters, no conflicts (2 of 4 stars). 3 submissions from 3 submitters: Benign (2). 1 of the submissions does not count toward it. Last evaluated 2026-01-20.

Conditions:
PITRM1-related disorder. Also called: PITRM1-related condition.

Allele frequency attached by ClinVar (database versions not stated): gnomAD exomes 0.00097 and 0.00258; ExAC 0.00313; gnomAD 0.01001 and 0.01074; ESP Exome Variant Server 0.01153; TOPMed 0.01156; 1000 Genomes Project 0.01178; 1000 Genomes Project 30x 0.01312.
gnomAD v4.1: 3,018 of 1,609,438 alleles (0.19%); highest among the groups gnomAD compares: African/African-American, 3.5%; 58 homozygotes.

Submissions (3):

Labcorp Genetics (formerly Invitae), Labcorp
Classification: Benign. Last evaluated: 2026-01-20. Review status: criteria provided, single submitter. Criteria: Invitae Variant Classification Sherloc (09022015). Collection method: clinical testing. Allele origin: germline.

Breakthrough Genomics
Classification: Benign. Review status: criteria provided, single submitter. Criteria: ACMG Guidelines, 2015. Collection method: not provided. Allele origin: germline. Inheritance: Autosomal recessive inheritance. Affected: yes.

PreventionGenetics, part of Exact Sciences
Classification: Benign for PITRM1-related condition. Last evaluated: 2019-11-26. Review status: no assertion criteria provided. Collection method: clinical testing. Allele origin: germline. Not counted in ClinVar's aggregate classification.
Comment: This variant is classified as benign based on ACMG/AMP sequence variant interpretation guidelines (Richards et al. 2015 PMID: 25741868, with internal and published modifications).